The following is an entry in ClinVar:

NM_145649.5(GCNT2):c.*682G>C

Gene: GCNT2 (glucosaminyl (N-acetyl) transferase 2 (I blood group); plus strand). Cytogenetic location: 6p24.2.
Variant type: single nucleotide variant.
Coding change: c.*682G>C on transcript NM_145649.5 (MANE Select); 682 bases downstream of the stop codon, G replaced by C.
Molecular consequence: 3 prime UTR variant.
Genome position (GRCh38, 1-based): chr6:10,627,289, G>C. VCF-style: chr6-10627289-G-C. GRCh37 (hg19) VCF-style: chr6-10627522-G-C.
Other names: c.*682G>C (NM_001374747.1, NM_001491.3, NM_145655.4).
Identifiers: ClinVar variation 354721 (VCV000354721.5), dbSNP rs80071169, ClinGen allele CA10621067.

ClinVar aggregate classification (germline): Benign (1 of 4 stars; one submission).

Conditions:
Blood group, I system (Ii). Identifiers: MedGen C0020717, OMIM 110800.

Allele frequency attached by ClinVar (database versions not stated): gnomAD exomes 0.01493; 1000 Genomes Project 0.02576; 1000 Genomes Project 30x 0.02717; gnomAD 0.03000 and 0.03020; TOPMed 0.03102.
gnomAD v4.1: 4,543 of 152,546 alleles (3%); highest among the groups gnomAD compares: Middle Eastern, 8.6%; 107 homozygotes.

Submission:

Illumina Laboratory Services, Illumina
Classification: Benign for Blood group, I system. Last evaluated: 2018-01-13. Review status: criteria provided, single submitter. Criteria: ICSL Variant Classification Criteria 13 December 2019. Collection method: clinical testing. Allele origin: germline.
Comment: This variant was observed in the ICSL laboratory as part of a predisposition screen in an ostensibly healthy population. It had not been previously curated by ICSL or reported in the Human Gene Mutation Database (HGMD: prior to June 1st, 2018), and was therefore a candidate for classification through an automated scoring system. Utilizing variant allele frequency, disease prevalence and penetrance estimates, and inheritance mode, an automated score was calculated to assess if this variant is too frequent to cause the disease. Based on the score and internal cut-off values, a variant classified as benign is not then subjected to further curation. The score for this variant resulted in a classification of benign for this disease.